The following is an entry in ClinVar:

NM_016111.4(TELO2):c.1751C>T (p.Thr584Met)

Gene: TELO2 (telomere maintenance 2; plus strand). Cytogenetic location: 16p13.3.
Variant type: single nucleotide variant.
Coding change: c.1751C>T on transcript NM_016111.4 (MANE Select); coding-DNA position 1751, C replaced by T.
Protein change: p.Thr584Met; replaces threonine 584 with methionine.
Molecular consequence: missense variant.
Genome position (GRCh38, 1-based): chr16:1,502,742, C>T. VCF-style: chr16-1502742-C-T. GRCh37 (hg19) VCF-style: chr16-1552743-C-T.
Other names: c.1751C>T, p.Thr584Met (NM_001351846.2); short protein forms T584M.
Identifiers: ClinVar variation 1904860 (VCV001904860.2), dbSNP rs774683465, ClinGen allele CA7812297.

ClinVar aggregate classification (germline): Uncertain significance (1 of 4 stars; one submission).

Allele frequency attached by ClinVar (database versions not stated): gnomAD 0.00002; gnomAD exomes 0.00002; ExAC 0.00007.
gnomAD v4.1: 30 of 1,612,032 alleles (0.0019%); highest among the groups gnomAD compares: Admixed American, 0.015%; no homozygotes.

Submission:

Labcorp Genetics (formerly Invitae), Labcorp
Classification: Uncertain significance. Last evaluated: 2022-02-13. Review status: criteria provided, single submitter. Criteria: Invitae Variant Classification Sherloc (09022015). Collection method: clinical testing. Allele origin: germline.
Comment: This sequence change replaces threonine, which is neutral and polar, with methionine, which is neutral and non-polar, at codon 584 of the TELO2 protein (p.Thr584Met). This variant is present in population databases (rs774683465, gnomAD 0.02%). This variant has not been reported in the literature in individuals affected with TELO2-related conditions. Algorithms developed to predict the effect of missense changes on protein structure and function are either unavailable or do not agree on the potential impact of this missense change (SIFT: "Tolerated"; PolyPhen-2: "Probably Damaging"; Align-GVGD: "Class C0"). In summary, the available evidence is currently insufficient to determine the role of this variant in disease. Therefore, it has been classified as a Variant of Uncertain Significance.